The following is an entry in ClinVar:

ClinVar aggregate classification (germline): Uncertain significance. Review status: criteria provided, multiple submitters, no conflicts (2 of 4 stars). 2 submissions from 2 submitters: Uncertain significance (2). Last evaluated 2022-10-03.

Conditions:
Familial thoracic aortic aneurysm and aortic dissection (TAAD). Also called: Thoracic aortic aneurysms and dissections. Identifiers: Orphanet 91387, MedGen C4707243, MONDO:0019625.
Loeys-Dietz syndrome 4 (LDS4). Also called: ANEURYSM, AORTIC AND CEREBRAL, WITH ARTERIAL TORTUOSITY AND SKELETAL MANIFESTATIONS; TGFB2-Related Loeys-Dietz Syndrome. Identifiers: MedGen C3553762, MONDO:0013897, OMIM 614816.

Allele frequency attached by ClinVar (database versions not stated): TOPMed 0.00001; ExAC 0.00002; gnomAD exomes 0.00002 and 0.00008.
gnomAD v4.1: 47 of 1,613,596 alleles (0.0029%); highest among the groups gnomAD compares: East Asian, 0.1%; 1 homozygote.

Submissions (2):

Labcorp Genetics (formerly Invitae), Labcorp
Classification: Uncertain significance for Loeys-Dietz syndrome 4. Last evaluated: 2022-10-03. Review status: criteria provided, single submitter. Criteria: Invitae Variant Classification Sherloc (09022015). Collection method: clinical testing. Allele origin: germline.
Comment: This sequence change replaces lysine, which is basic and polar, with glutamine, which is neutral and polar, at codon 396 of the TGFB2 protein (p.Lys396Gln). This variant is present in population databases (rs751650226, gnomAD 0.02%). This variant has not been reported in the literature in individuals affected with TGFB2-related conditions. ClinVar contains an entry for this variant (Variation ID: 840393). Advanced modeling of protein sequence and biophysical properties (such as structural, functional, and spatial information, amino acid conservation, physicochemical variation, residue mobility, and thermodynamic stability) performed at Invitae indicates that this missense variant is not expected to disrupt TGFB2 protein function. In summary, the available evidence is currently insufficient to determine the role of this variant in disease. Therefore, it has been classified as a Variant of Uncertain Significance.

Ambry Genetics
Classification: Uncertain significance for Familial thoracic aortic aneurysm and aortic dissection. Last evaluated: 2021-11-02. Review status: criteria provided, single submitter. Criteria: Ambry Variant Classification Scheme 2023. Collection method: clinical testing. Allele origin: germline.
Comment: The p.K396Q variant (also known as c.1186A>C), located in coding exon 7 of the TGFB2 gene, results from an A to C substitution at nucleotide position 1186. The lysine at codon 396 is replaced by glutamine, an amino acid with similar properties. This amino acid position is conserved. In addition, the in silico prediction for this alteration is inconclusive. Since supporting evidence is limited at this time, the clinical significance of this alteration remains unclear.

NM_003238.6(TGFB2):c.1186A>C (p.Lys396Gln)

Gene: TGFB2 (transforming growth factor beta 2; plus strand). Cytogenetic location: 1q41.
Variant type: single nucleotide variant.
Coding change: c.1186A>C on transcript NM_003238.6 (MANE Select); coding-DNA position 1186, A replaced by C.
Protein change: p.Lys396Gln; replaces lysine 396 with glutamine.
Molecular consequence: missense variant. On other transcripts: non-coding transcript variant (2).
Genome position (GRCh38, 1-based): chr1:218,441,303, A>C. VCF-style: chr1-218441303-A-C. GRCh37 (hg19) VCF-style: chr1-218614645-A-C.
Other names: c.1270A>C, p.Lys424Gln (NM_001135599.4); short protein forms K396Q, K424Q.
Identifiers: ClinVar variation 840393 (VCV000840393.10), dbSNP rs751650226, ClinGen allele CA1398693.